The following is an entry in ClinVar:

ClinVar aggregate classification (germline): Likely benign. Review status: criteria provided, single submitter (1 of 4 stars). 2 submissions from 2 submitters: Likely benign (1). 1 of the submissions does not count toward it. Last evaluated 2025-04-14.

Conditions:
ASXL1-related disorder. Also called: ASXL1-related condition; ASXL1-related disorders.

Allele frequency attached by ClinVar (database versions not stated): gnomAD 0.00002; ExAC 0.00003; gnomAD exomes 0.00003; TOPMed 0.00003.
gnomAD v4.1: 42 of 1,613,550 alleles (0.0026%); highest among the groups gnomAD compares: Middle Eastern, 0.035%; no homozygotes.

Submissions (2):

Labcorp Genetics (formerly Invitae), Labcorp
Classification: Likely benign. Last evaluated: 2025-04-14. Review status: criteria provided, single submitter. Criteria: Invitae Variant Classification Sherloc (09022015). Collection method: clinical testing. Allele origin: germline.

PreventionGenetics, part of Exact Sciences
Classification: Likely benign for ASXL1-related condition. Last evaluated: 2023-11-06. Review status: no assertion criteria provided. Collection method: clinical testing. Allele origin: germline. Not counted in ClinVar's aggregate classification.
Comment: This variant is classified as likely benign based on ACMG/AMP sequence variant interpretation guidelines (Richards et al. 2015 PMID: 25741868, with internal and published modifications).

NM_015338.6(ASXL1):c.275G>A (p.Arg92His)

Gene: ASXL1 (ASXL transcriptional regulator 1; plus strand). Cytogenetic location: 20q11.21.
Variant type: single nucleotide variant.
Coding change: c.275G>A on transcript NM_015338.6 (MANE Select); coding-DNA position 275, G replaced by A.
Protein change: p.Arg92His; replaces arginine 92 with histidine.
Molecular consequence: missense variant.
Genome position (GRCh38, 1-based): chr20:32,428,150, G>A. VCF-style: chr20-32428150-G-A. GRCh37 (hg19) VCF-style: chr20-31015953-G-A.
Other names: c.245G>A, p.Arg82His (NM_001363734.1); short protein forms R82H, R92H.
Identifiers: ClinVar variation 2187408 (VCV002187408.6), dbSNP rs745960978, ClinGen allele CA9808054.